The following is an entry in ClinVar:

NM_000089.4(COL1A2):c.3601G>A (p.Glu1201Lys)

Gene: COL1A2 (collagen type I alpha 2 chain; plus strand). Cytogenetic location: 7q21.3.
Variant type: single nucleotide variant.
Coding change: c.3601G>A on transcript NM_000089.4 (MANE Select); coding-DNA position 3601, G replaced by A.
Protein change: p.Glu1201Lys; replaces glutamic acid 1201 with lysine.
Molecular consequence: missense variant.
Genome position (GRCh38, 1-based): chr7:94,428,367, G>A. VCF-style: chr7-94428367-G-A. GRCh37 (hg19) VCF-style: chr7-94057679-G-A.
Other names: short protein forms E1201K.
Identifiers: ClinVar variation 2201327 (VCV002201327.4), dbSNP rs72659343, ClinGen allele CA4347796.

ClinVar aggregate classification (germline): Uncertain significance (1 of 4 stars; one submission).

Conditions:
Ehlers-Danlos syndrome, classic type, 1 (EDSCL1). Also called: Ehlers-Danlos Syndrome, Classic Type, COL5A1-Related; EHLERS-DANLOS SYNDROME, GRAVIS TYPE; EHLERS-DANLOS SYNDROME, SEVERE CLASSIC TYPE; Ehlers-Danlos syndrome, type 1; EDS I. Identifiers: MedGen C0268335, MONDO:0019567, OMIM 130000.
Osteogenesis imperfecta type I (OI1). Also called: OI, TYPE I; OSTEOGENESIS IMPERFECTA TARDA; OSTEOGENESIS IMPERFECTA WITH BLUE SCLERAE; Osteogenesis imperfecta type 1; Classic Non-deforming Osteogenesis Imperfecta with Blue Sclerae; Lobstein's Disease. Identifiers: Orphanet 216796, Orphanet 666, MedGen C0023931, MONDO:0008146, OMIM 166200. Disease mechanism: loss of function.

Allele frequency attached by ClinVar (database versions not stated): ExAC 0.00001; TOPMed 0.00003; gnomAD exomes 0.00002; gnomAD 0.00004.
gnomAD v4.1: 41 of 1,613,924 alleles (0.0025%); highest among the groups gnomAD compares: African/African-American, 0.0093%; no homozygotes.

Submission:

Labcorp Genetics (formerly Invitae), Labcorp
Classification: Uncertain significance for Osteogenesis imperfecta type I; Ehlers-Danlos syndrome, classic type, 1. Last evaluated: 2025-11-21. Review status: criteria provided, single submitter. Criteria: Invitae Variant Classification Sherloc (09022015). Collection method: clinical testing. Allele origin: germline.
Comment: This sequence change replaces glutamic acid, which is acidic and polar, with lysine, which is basic and polar, at codon 1201 of the COL1A2 protein (p.Glu1201Lys). This variant is present in population databases (rs72659343, gnomAD 0.01%). This variant has not been reported in the literature in individuals affected with COL1A2-related conditions. ClinVar contains an entry for this variant (Variation ID: 2201327). Invitae Evidence Modeling of protein sequence and biophysical properties (such as structural, functional, and spatial information, amino acid conservation, physicochemical variation, residue mobility, and thermodynamic stability) has been performed for this missense variant. However, the output from this modeling did not meet the statistical confidence thresholds required to predict the impact of this variant on COL1A2 protein function. In summary, the available evidence is currently insufficient to determine the role of this variant in disease. Therefore, it has been classified as a Variant of Uncertain Significance.